The following is an entry in ClinVar:

ClinVar aggregate classification (germline): Likely benign (0 of 4 stars; one submission).

Conditions:
SLC34A3-related disorder. Also called: SLC34A3-related condition.

Submission:

PreventionGenetics, part of Exact Sciences
Classification: Likely benign for SLC34A3-related condition. Last evaluated: 2024-07-15. Review status: no assertion criteria provided. Collection method: clinical testing. Allele origin: germline.
Comment: This variant is classified as likely benign based on ACMG/AMP sequence variant interpretation guidelines (Richards et al. 2015 PMID: 25741868, with internal and published modifications).

NM_001177316.2(SLC34A3):c.560+38T>G

Gene: SLC34A3 (solute carrier family 34 member 3; plus strand). Cytogenetic location: 9q34.3.
Variant type: single nucleotide variant.
Coding change: c.560+38T>G on transcript NM_001177316.2 (MANE Select); 38 bases into the intron after coding-DNA position 560, T replaced by G.
Molecular consequence: intron variant.
Genome position (GRCh38, 1-based): chr9:137,233,153, T>G. VCF-style: chr9-137233153-T-G. GRCh37 (hg19) VCF-style: chr9-140127605-T-G.
Other names: c.560+38T>G (NM_001177317.2, NM_080877.3).
Identifiers: ClinVar variation 3350900 (VCV003350900.1).